The following is an entry in ClinVar:

NM_003072.5(SMARCA4):c.2329del (p.Leu777fs)

Gene: SMARCA4 (SWI/SNF related BAF chromatin remodeling complex subunit ATPase 4; plus strand). Cytogenetic location: 19p13.2.
Variant type: Deletion.
Coding change: c.2329del on transcript NM_003072.5 (MANE Select); coding-DNA position 2329, one base deleted (C; older notation c.2329delC).
Protein change: p.Leu777fs; shifts the reading frame from leucine 777.
Molecular consequence: frameshift variant. On other transcripts: non-coding transcript variant (1).
Genome position (GRCh38, 1-based): chr19:11,013,003, C deleted; the last of 2 consecutive C bases (chr19:11,013,002-11,013,003); deleting either gives the same sequence. VCF-style (leftmost placement, unchanged base first): chr19-11013001-TC-T. GRCh37 (hg19) VCF-style: chr19-11123677-TC-T.
Other names: c.2329del, p.Leu777fs (NM_001128844.3, NM_001128845.2, NM_001128846.2 and 5 more transcripts); short protein forms L777fs.
Identifiers: ClinVar variation 537835 (VCV000537835.6), dbSNP rs1555774702, ClinGen allele CA658799119.

ClinVar aggregate classification (germline): Pathogenic (1 of 4 stars; one submission).

Conditions:
Rhabdoid tumor predisposition syndrome 2 (RTPS2). Identifiers: Orphanet 231108, Orphanet 69077, MedGen C2750074, MONDO:0013224, OMIM 613325.

Submission:

Labcorp Genetics (formerly Invitae), Labcorp
Classification: Pathogenic for Rhabdoid tumor predisposition syndrome 2. Last evaluated: 2017-11-16. Review status: criteria provided, single submitter. Criteria: Invitae Variant Classification Sherloc (09022015). Collection method: clinical testing. Allele origin: germline.
Comment: This sequence change creates a premature translational stop signal (p.Leu777Trpfs*54) in the SMARCA4 gene. It is expected to result in an absent or disrupted protein product. This variant is not present in population databases (ExAC no frequency). This variant has not been reported in the literature in individuals with SMARCA4-related disease. Loss-of-function variants in SMARCA4 are known to be pathogenic (PMID: 24658001, 24658002). For these reasons, this variant has been classified as Pathogenic.

Literature cited by the submitters: PubMed 24658001; PubMed 24658002.